The following is an entry in ClinVar:

ClinVar aggregate classification (germline): Pathogenic (1 of 4 stars; one submission).

Submission:

Labcorp Genetics (formerly Invitae), Labcorp
Classification: Pathogenic. Last evaluated: 2024-09-24. Review status: criteria provided, single submitter. Criteria: Invitae Variant Classification Sherloc (09022015). Collection method: clinical testing. Allele origin: germline.
Comment: This sequence change creates a premature translational stop signal (p.Ser2113Hisfs*3) in the FLNB gene. It is expected to result in an absent or disrupted protein product. Loss-of-function variants in FLNB are known to be pathogenic (PMID: 14991055). This variant is present in population databases (rs762768877, gnomAD 0.006%). This variant has not been reported in the literature in individuals affected with FLNB-related conditions. Algorithms developed to predict the effect of sequence changes on RNA splicing suggest that this variant may disrupt the consensus splice site. For these reasons, this variant has been classified as Pathogenic.

Literature cited by the submitters: PubMed 14991055.

NM_001457.4(FLNB):c.6337_6338del (p.Ser2113fs)

Gene: FLNB (filamin B; plus strand). Cytogenetic location: 3p14.3.
Variant type: Deletion.
Coding change: c.6337_6338del on transcript NM_001457.4 (MANE Select); coding-DNA positions 6337 to 6338, 2 bases deleted (AG; older notation c.6337_6338delAG).
Protein change: p.Ser2113fs; shifts the reading frame from serine 2113.
Molecular consequence: frameshift variant.
Genome position (GRCh38, 1-based): chr3:58,150,197-58,150,198, AG deleted; deleting any 2 consecutive bases within chr3:58,150,196-58,150,198 gives the same sequence; the c. name uses the placement nearest the transcript's 3' end. VCF-style (leftmost placement, unchanged base first): chr3-58150195-GGA-G. GRCh37 (hg19) VCF-style: chr3-58135922-GGA-G.
Other names: c.6430_6431del, p.Ser2144fs (NM_001164317.2); c.6304_6305del, p.Ser2102fs (NM_001164318.2); c.6265_6266del, p.Ser2089fs (NM_001164319.2); short protein forms S2089fs, S2102fs, S2113fs, S2144fs.
Identifiers: ClinVar variation 3610261 (VCV003610261.2).
Genomic context (GRCh38, chr3:58,150,195, plus strand): 5'-AGGGAAGAGTCAAAGAGAGCATCACCCGCACCAGTCGGGCCCCGTCCGTGGCCACTGTCG[GGA>G]GCATTTGTGACCTGAACCTGAAAATCCCAGGTGGGCGTCGGGGACTAGTAGGGTGGGGAA-3'